The following is an entry in ClinVar:

NM_032043.3(BRIP1):c.158G>C (p.Ser53Thr)

Gene: BRIP1 (BRCA1 interacting DNA helicase 1; minus strand). Cytogenetic location: 17q23.2.
Variant type: single nucleotide variant.
Coding change: c.158G>C on transcript NM_032043.3 (MANE Select); coding-DNA position 158, G replaced by C.
Protein change: p.Ser53Thr; replaces serine 53 with threonine.
Molecular consequence: missense variant.
Genome position (GRCh38, 1-based): chr17:61,859,843, C>G on the plus strand (G>C on the coding strand, the complement: BRIP1 is on the minus strand). VCF-style: chr17-61859843-C-G. GRCh37 (hg19) VCF-style: chr17-59937204-C-G.
Other names: short protein forms S53T.
Identifiers: ClinVar variation 4783581 (VCV004783581.1).

ClinVar aggregate classification (germline): Uncertain significance (1 of 4 stars; one submission).

Conditions:
Fanconi anemia complementation group J. Also called: BRIP1-Related Fanconi Anemia. Identifiers: Orphanet 84, MedGen C1836860, MONDO:0012187, OMIM 609054.
Familial cancer of breast. Also called: Hereditary breast cancer; hereditary breast carcinoma; BREAST CANCER, FAMILIAL. Identifiers: Orphanet 227535, MedGen C0346153, MONDO:0016419, OMIM 114480. Disease mechanism: loss of function.

Submission:

Labcorp Genetics (formerly Invitae), Labcorp
Classification: Uncertain significance for Familial cancer of breast; Fanconi anemia complementation group J. Last evaluated: 2025-11-02. Review status: criteria provided, single submitter. Criteria: Invitae Variant Classification Sherloc (09022015). Collection method: clinical testing. Allele origin: germline.
Comment: This sequence change replaces serine, which is neutral and polar, with threonine, which is neutral and polar, at codon 53 of the BRIP1 protein (p.Ser53Thr). This variant is not present in population databases (gnomAD no frequency). This variant has not been reported in the literature in individuals affected with BRIP1-related conditions. Invitae Evidence Modeling of protein sequence and biophysical properties (such as structural, functional, and spatial information, amino acid conservation, physicochemical variation, residue mobility, and thermodynamic stability) indicates that this missense variant is not expected to disrupt BRIP1 protein function with a negative predictive value of 95%. In summary, the available evidence is currently insufficient to determine the role of this variant in disease. Therefore, it has been classified as a Variant of Uncertain Significance.